The following is an entry in ClinVar:

ClinVar aggregate classification (germline): Uncertain significance. Review status: criteria provided, multiple submitters, no conflicts (2 of 4 stars). 2 submissions from 2 submitters: Uncertain significance (2). Last evaluated 2024-03-11.

Conditions:
Primary ciliary dyskinesia. Also called: Ciliary dyskinesia. Identifiers: Orphanet 244, MedGen C0008780, MONDO:0016575, HP:0012265.

Allele frequency attached by ClinVar (database versions not stated): gnomAD 0.00001 and 0.00002; gnomAD exomes 0.00001 and 0.00003; ExAC 0.00003; TOPMed 0.00004.
gnomAD v4.1: 20 of 1,612,116 alleles (0.0012%); highest among the groups gnomAD compares: East Asian, 0.031%; no homozygotes.

Submissions (2):

Labcorp Genetics (formerly Invitae), Labcorp
Classification: Uncertain significance for Primary ciliary dyskinesia. Last evaluated: 2024-03-11. Review status: criteria provided, single submitter. Criteria: Invitae Variant Classification Sherloc (09022015). Collection method: clinical testing. Allele origin: germline.
Comment: This sequence change replaces proline, which is neutral and non-polar, with serine, which is neutral and polar, at codon 120 of the DNAH8 protein (p.Pro120Ser). This variant is present in population databases (rs759397600, gnomAD 0.05%). This variant has not been reported in the literature in individuals affected with DNAH8-related conditions. ClinVar contains an entry for this variant (Variation ID: 1427825). Experimental studies and prediction algorithms are not available or were not evaluated, and the functional significance of this variant is currently unknown. In summary, the available evidence is currently insufficient to determine the role of this variant in disease. Therefore, it has been classified as a Variant of Uncertain Significance.

Ambry Genetics
Classification: Uncertain significance. Last evaluated: 2023-07-14. Review status: criteria provided, single submitter. Criteria: Ambry Variant Classification Scheme 2023. Collection method: clinical testing. Allele origin: germline.

NM_001206927.2(DNAH8):c.358C>T (p.Pro120Ser)

Genes: DNAH8 (dynein axonemal heavy chain 8; plus strand), LOC126859667 (BRD4-independent group 4 enhancer GRCh37_chr6:38690326-38691525; plus strand). Cytogenetic location: 6p21.2.
Variant type: single nucleotide variant.
Coding change: c.358C>T on transcript NM_001206927.2 (MANE Select); coding-DNA position 358, C replaced by T.
Protein change: p.Pro120Ser; replaces proline 120 with serine.
Molecular consequence: missense variant. On other transcripts: 5 prime UTR variant (1).
Genome position (GRCh38, 1-based): chr6:38,723,167, C>T. VCF-style: chr6-38723167-C-T. GRCh37 (hg19) VCF-style: chr6-38690943-C-T.
Other names: c.-209C>T (NM_001371.4); c.358C>T (NM_001206927.1); short protein forms P120S.
Identifiers: ClinVar variation 1427825 (VCV001427825.10), dbSNP rs759397600, ClinGen allele CA3787913.